The following is an entry in ClinVar:

ClinVar aggregate classification (germline): Uncertain significance (1 of 4 stars; one submission).

gnomAD v4.1: 1 of 1,393,764 alleles (0.000072%); highest among the groups gnomAD compares: Non-Finnish European, 0.000094%; no homozygotes.

Submission:

Labcorp Genetics (formerly Invitae), Labcorp
Classification: Uncertain significance. Last evaluated: 2021-12-14. Review status: criteria provided, single submitter. Criteria: Invitae Variant Classification Sherloc (09022015). Collection method: clinical testing. Allele origin: germline.
Comment: This sequence change replaces isoleucine, which is neutral and non-polar, with serine, which is neutral and polar, at codon 4680 of the ADGRV1 protein (p.Ile4680Ser). This variant is not present in population databases (gnomAD no frequency). This variant has not been reported in the literature in individuals affected with ADGRV1-related conditions. Algorithms developed to predict the effect of missense changes on protein structure and function are either unavailable or do not agree on the potential impact of this missense change (SIFT: "Deleterious"; PolyPhen-2: "Possibly Damaging"; Align-GVGD: "Class C0"). Algorithms developed to predict the effect of sequence changes on RNA splicing suggest that this variant may create or strengthen a splice site. In summary, the available evidence is currently insufficient to determine the role of this variant in disease. Therefore, it has been classified as a Variant of Uncertain Significance.

NM_032119.4(ADGRV1):c.14039T>G (p.Ile4680Ser)

Gene: ADGRV1 (adhesion G protein-coupled receptor V1; plus strand). Cytogenetic location: 5q14.3.
Variant type: single nucleotide variant.
Coding change: c.14039T>G on transcript NM_032119.4 (MANE Select); coding-DNA position 14039, T replaced by G.
Protein change: p.Ile4680Ser; replaces isoleucine 4680 with serine.
Molecular consequence: missense variant. On other transcripts: non-coding transcript variant (1).
Genome position (GRCh38, 1-based): chr5:90,789,847, T>G. VCF-style: chr5-90789847-T-G. GRCh37 (hg19) VCF-style: chr5-90085664-T-G.
Other names: short protein forms I4680S.
Identifiers: ClinVar variation 1402545 (VCV001402545.6), dbSNP rs2150129723, ClinGen allele CA360399175.